The following is an entry in ClinVar:

ClinVar aggregate classification (germline): Uncertain significance (1 of 4 stars; one submission).

Conditions:
KANK1-related disorder. Also called: KANK1-related condition.

Allele frequency attached by ClinVar (database versions not stated): gnomAD exomes 0.00001.
gnomAD v4.1: 8 of 1,610,600 alleles (0.0005%); highest among the groups gnomAD compares: South Asian, 0.0022%; no homozygotes.

Submission:

PreventionGenetics, part of Exact Sciences
Classification: Uncertain significance for KANK1-related condition. Last evaluated: 2023-05-30. Review status: criteria provided, single submitter. Criteria: ACMG Guidelines, 2015. Collection method: clinical testing. Allele origin: germline.
Comment: The KANK1 c.2335A>G variant is predicted to result in the amino acid substitution p.Ile779Val. To our knowledge, this variant has not been reported in the literature. This variant is reported in 0.0033% of alleles in individuals of South Asian descent in gnomAD. At this time, the clinical significance of this variant is uncertain due to the absence of conclusive functional and genetic evidence.

NM_015158.5(KANK1):c.2335A>G (p.Ile779Val)

Gene: KANK1 (KN motif and ankyrin repeat domains 1; plus strand). Cytogenetic location: 9p24.3.
Variant type: single nucleotide variant.
Coding change: c.2335A>G on transcript NM_015158.5 (MANE Select); coding-DNA position 2335, A replaced by G.
Protein change: p.Ile779Val; replaces isoleucine 779 with valine.
Molecular consequence: missense variant. On other transcripts: non-coding transcript variant (1).
Genome position (GRCh38, 1-based): chr9:713,101, A>G. VCF-style: chr9-713101-A-G. GRCh37 (hg19) VCF-style: chr9-713101-A-G.
Other names: c.2335A>G, p.Ile779Val (NM_001256876.3, NM_001256877.3, NM_001354331.2 and 2 more transcripts); c.1861A>G, p.Ile621Val (NM_001354333.2, NM_001354335.2, NM_001354336.2 and 9 more transcripts); short protein forms I621V, I779V.
Identifiers: ClinVar variation 2632326 (VCV002632326.1), dbSNP rs1244241870, ClinGen allele CA372750061.
Genomic context (GRCh38, chr9:713,101, plus strand): 5'-TCAGGTGTGGGGCAGATAAATATTAACGACAACTATCTGGTTGGTCTCAAAATGAGGACT[A>G]TAGCTTGTGGGCCACCACAGTTGACTGTGGGGCTGACAGCCAGCAGAAGGAGCGTGGGGG-3'
Protein context (NP_055973.2, residues 769-789): NYLVGLKMRT[Ile779Val]ACGPPQLTVG